The following is an entry in ClinVar:

NM_001080414.4(CCDC88C):c.2704G>A (p.Val902Met)

Gene: CCDC88C (coiled-coil domain containing 88C; minus strand). Cytogenetic location: 14q32.11.
Variant type: single nucleotide variant.
Coding change: c.2704G>A on transcript NM_001080414.4 (MANE Select); coding-DNA position 2704, G replaced by A.
Protein change: p.Val902Met; replaces valine 902 with methionine.
Molecular consequence: missense variant.
Genome position (GRCh38, 1-based): chr14:91,313,112, C>T on the plus strand (G>A on the coding strand, the complement: CCDC88C is on the minus strand). VCF-style: chr14-91313112-C-T. GRCh37 (hg19) VCF-style: chr14-91779456-C-T.
Other names: short protein forms V902M.
Identifiers: ClinVar variation 2083167 (VCV002083167.1), dbSNP rs755522236, ClinGen allele CA7309584.

ClinVar aggregate classification (germline): Uncertain significance (1 of 4 stars; one submission).

Allele frequency attached by ClinVar (database versions not stated): ExAC 0.00001; gnomAD exomes 0.00001; gnomAD 0.00003; TOPMed 0.00003.
gnomAD v4.1: 25 of 1,600,406 alleles (0.0016%); highest among the groups gnomAD compares: East Asian, 0.011%; no homozygotes.

Submission:

Labcorp Genetics (formerly Invitae), Labcorp
Classification: Uncertain significance. Last evaluated: 2022-06-15. Review status: criteria provided, single submitter. Criteria: Invitae Variant Classification Sherloc (09022015). Collection method: clinical testing. Allele origin: germline.
Comment: This sequence change replaces valine, which is neutral and non-polar, with methionine, which is neutral and non-polar, at codon 902 of the CCDC88C protein (p.Val902Met). This variant is present in population databases (rs755522236, gnomAD 0.02%). This variant has not been reported in the literature in individuals affected with CCDC88C-related conditions. Algorithms developed to predict the effect of missense changes on protein structure and function output the following: SIFT: "Tolerated"; PolyPhen-2: "Benign"; Align-GVGD: "Class C0". The methionine amino acid residue is found in multiple mammalian species, which suggests that this missense change does not adversely affect protein function. In summary, the available evidence is currently insufficient to determine the role of this variant in disease. Therefore, it has been classified as a Variant of Uncertain Significance.